The following is an entry in ClinVar:

ClinVar aggregate classification (germline): Uncertain significance (1 of 4 stars; one submission).

Allele frequency attached by ClinVar (database versions not stated): gnomAD exomes below 0.00001.
gnomAD v4.1: 1 of 1,613,806 alleles (0.000062%); highest among the groups gnomAD compares: Non-Finnish European, 0.000085%; no homozygotes.

Submission:

Labcorp Genetics (formerly Invitae), Labcorp
Classification: Uncertain significance. Last evaluated: 2022-06-14. Review status: criteria provided, single submitter. Criteria: Invitae Variant Classification Sherloc (09022015). Collection method: clinical testing. Allele origin: germline.
Comment: In summary, the available evidence is currently insufficient to determine the role of this variant in disease. Therefore, it has been classified as a Variant of Uncertain Significance. Algorithms developed to predict the effect of missense changes on protein structure and function output the following: SIFT: "Deleterious"; PolyPhen-2: "Possibly Damaging"; Align-GVGD: "Class C0". The isoleucine amino acid residue is found in multiple mammalian species, which suggests that this missense change does not adversely affect protein function. This variant has not been reported in the literature in individuals affected with ADGRV1-related conditions. This variant is present in population databases (no rsID available, gnomAD 0.0009%). This sequence change replaces methionine, which is neutral and non-polar, with isoleucine, which is neutral and non-polar, at codon 2008 of the ADGRV1 protein (p.Met2008Ile).

NM_032119.4(ADGRV1):c.6024G>T (p.Met2008Ile)

Gene: ADGRV1 (adhesion G protein-coupled receptor V1; plus strand). Cytogenetic location: 5q14.3.
Variant type: single nucleotide variant.
Coding change: c.6024G>T on transcript NM_032119.4 (MANE Select); coding-DNA position 6024, G replaced by T.
Protein change: p.Met2008Ile; replaces methionine 2008 with isoleucine.
Molecular consequence: missense variant. On other transcripts: non-coding transcript variant (1).
Genome position (GRCh38, 1-based): chr5:90,683,945, G>T. VCF-style: chr5-90683945-G-T. GRCh37 (hg19) VCF-style: chr5-89979762-G-T.
Other names: short protein forms M2008I.
Identifiers: ClinVar variation 2006473 (VCV002006473.4), dbSNP rs1397511646, ClinGen allele CA360413969.